The following is an entry in ClinVar:

NM_000434.4(NEU1):c.386A>G (p.Asn129Ser)

Gene: NEU1 (neuraminidase 1; minus strand). Cytogenetic location: 6p21.33.
Variant type: single nucleotide variant.
Coding change: c.386A>G on transcript NM_000434.4 (MANE Select); coding-DNA position 386, A replaced by G.
Protein change: p.Asn129Ser; replaces asparagine 129 with serine.
Molecular consequence: missense variant.
Genome position (GRCh38, 1-based): chr6:31,861,417, T>C on the plus strand (A>G on the coding strand, the complement: NEU1 is on the minus strand). VCF-style: chr6-31861417-T-C. GRCh37 (hg19) VCF-style: chr6-31829194-T-C.
Other names: short protein forms N129S.
Identifiers: ClinVar variation 972055 (VCV000972055.6), dbSNP rs1762506383, ClinGen allele CA363495066.

ClinVar aggregate classification (germline): Uncertain significance (1 of 4 stars; one submission).

Allele frequency attached by ClinVar (database versions not stated): gnomAD 0.00001; gnomAD exomes 0.00001.

Submission:

Labcorp Genetics (formerly Invitae), Labcorp
Classification: Uncertain significance. Last evaluated: 2021-08-27. Review status: criteria provided, single submitter. Criteria: Invitae Variant Classification Sherloc (09022015). Collection method: clinical testing. Allele origin: germline.
Comment: This sequence change replaces asparagine with serine at codon 129 of the NEU1 protein (p.Asn129Ser). The asparagine residue is weakly conserved and there is a small physicochemical difference between asparagine and serine. This variant is not present in population databases (ExAC no frequency). This variant has not been reported in the literature in individuals affected with NEU1-related conditions. Algorithms developed to predict the effect of missense changes on protein structure and function (SIFT, PolyPhen-2, Align-GVGD) all suggest that this variant is likely to be tolerated. Algorithms developed to predict the effect of sequence changes on RNA splicing suggest that this variant may create or strengthen a splice site. In summary, the available evidence is currently insufficient to determine the role of this variant in disease. Therefore, it has been classified as a Variant of Uncertain Significance.